The following is an entry in ClinVar:

NM_000283.4(PDE6B):c.*106G>A

Gene: PDE6B (phosphodiesterase 6B; plus strand). Cytogenetic location: 4p16.3.
Variant type: single nucleotide variant.
Coding change: c.*106G>A on transcript NM_000283.4 (MANE Select); 106 bases downstream of the stop codon, G replaced by A.
Molecular consequence: 3 prime UTR variant. On other transcripts: synonymous variant (3).
Genome position (GRCh38, 1-based): chr4:670,213, G>A. VCF-style: chr4-670213-G-A. GRCh37 (hg19) VCF-style: chr4-664002-G-A.
Other names: c.*106G>A (NM_001145291.2, NM_001145292.2, NM_001379246.1 and 1 more transcripts); c.1769G>A, p.Ter590= (NM_001350154.3); c.1451G>A, p.Ter484= (NM_001350155.3); c.2606G>A, p.Ter869= (NM_001440547.1); c.*165G>A (NM_001440548.1).
Identifiers: ClinVar variation 4998803 (VCV004998803.1).

ClinVar aggregate classification (germline): Likely benign (1 of 4 stars; one submission).

Conditions:
PDE6B-related disorder. Also called: PDE6B-related disease; PDE6B-related condition; PDE6B-related disorders.

Submission:

PreventionGenetics, part of Exact Sciences
Classification: Likely benign for PDE6B-related condition. Last evaluated: 2025-01-14. Review status: criteria provided, single submitter. Criteria: ACMG Guidelines, 2015. Collection method: clinical testing. Allele origin: germline.
Comment: This variant is classified as likely benign based on ACMG/AMP sequence variant interpretation guidelines (Richards et al. 2015 PMID: 25741868, with internal and published modifications).